The following is an entry in ClinVar:

ClinVar aggregate classification (germline): Uncertain significance (1 of 4 stars; one submission).

Allele frequency attached by ClinVar (database versions not stated): gnomAD 0.00001; ExAC 0.00002; gnomAD exomes 0.00006.
gnomAD v4.1: 35 of 1,614,012 alleles (0.0022%); highest among the groups gnomAD compares: East Asian, 0.078%; no homozygotes.

Submission:

Labcorp Genetics (formerly Invitae), Labcorp
Classification: Uncertain significance. Last evaluated: 2022-02-04. Review status: criteria provided, single submitter. Criteria: Invitae Variant Classification Sherloc (09022015). Collection method: clinical testing. Allele origin: germline.
Comment: This sequence change replaces asparagine, which is neutral and polar, with serine, which is neutral and polar, at codon 1433 of the ERCC6 protein (p.Asn1433Ser). This variant is present in population databases (rs769434036, gnomAD 0.03%). This variant has not been reported in the literature in individuals affected with ERCC6-related conditions. Algorithms developed to predict the effect of missense changes on protein structure and function (SIFT, PolyPhen-2, Align-GVGD) all suggest that this variant is likely to be disruptive. In summary, the available evidence is currently insufficient to determine the role of this variant in disease. Therefore, it has been classified as a Variant of Uncertain Significance.

NM_000124.4(ERCC6):c.4298A>G (p.Asn1433Ser)

Gene: ERCC6 (ERCC excision repair 6, chromatin remodeling factor; minus strand). Cytogenetic location: 10q11.23.
Variant type: single nucleotide variant.
Coding change: c.4298A>G on transcript NM_000124.4 (MANE Select); coding-DNA position 4298, A replaced by G.
Protein change: p.Asn1433Ser; replaces asparagine 1433 with serine.
Molecular consequence: missense variant.
Genome position (GRCh38, 1-based): chr10:49,458,999, T>C on the plus strand (A>G on the coding strand, the complement: ERCC6 is on the minus strand). VCF-style: chr10-49458999-T-C. GRCh37 (hg19) VCF-style: chr10-50667045-T-C.
Other names: c.4298A>G, p.Asn1433Ser (NM_001346440.2); short protein forms N1433S.
Identifiers: ClinVar variation 2150265 (VCV002150265.1), dbSNP rs769434036, ClinGen allele CA5495135.
Genomic context (GRCh38, chr10:49,458,999, plus strand): 5'-TCCTGCAGTATCTCCCTGGTGCTGGCCTGGCCATCAGTGTGGGCCTGGAAAGCGATGAAG[T>C]TTCTCATCTCCACCAGAAGGTCATCGTGTTCTGTGGTGGGCAGCAGGGCAGAAGCTTCCT-3'
Protein context (NP_000115.1, residues 1423-1443): EHDDLLVEMR[Asn1433Ser]FIAFQAHTDG